The following is an entry in ClinVar:

NM_002047.4(GARS1):c.421T>C (p.Tyr141His)

Gene: GARS1 (glycyl-tRNA synthetase 1; plus strand). Cytogenetic location: 7p14.3.
Variant type: single nucleotide variant.
Coding change: c.421T>C on transcript NM_002047.4 (MANE Select); coding-DNA position 421, T replaced by C.
Protein change: p.Tyr141His; replaces tyrosine 141 with histidine.
Molecular consequence: missense variant.
Genome position (GRCh38, 1-based): chr7:30,600,043, T>C. VCF-style: chr7-30600043-T-C. GRCh37 (hg19) VCF-style: chr7-30639659-T-C.
Other names: c.259T>C, p.Tyr87His (NM_001316772.1); short protein forms Y141H, Y87H.
Identifiers: ClinVar variation 3342871 (VCV003342871.1).

ClinVar aggregate classification (germline): Uncertain significance (1 of 4 stars; one submission).

Submission:

GeneDx
Classification: Uncertain significance. Last evaluated: 2023-12-21. Review status: criteria provided, single submitter. Criteria: GeneDx Variant Classification Process June 2021. Collection method: clinical testing. Allele origin: germline. Affected: yes.
Comment: Has not been previously published as pathogenic or benign to our knowledge; In silico analysis supports that this missense variant has a deleterious effect on protein structure/function; Not observed at significant frequency in large population cohorts (gnomAD); This variant is associated with the following publications: (PMID: 26503042, 26138142, 25168514)